The following is an entry in ClinVar:

NM_017514.5(PLXNA3):c.1610G>T (p.Ser537Ile)

Gene: PLXNA3 (plexin A3; plus strand). Cytogenetic location: Xq28.
Variant type: single nucleotide variant.
Coding change: c.1610G>T on transcript NM_017514.5 (MANE Select); coding-DNA position 1610, G replaced by T.
Protein change: p.Ser537Ile; replaces serine 537 with isoleucine.
Molecular consequence: missense variant.
Genome position (GRCh38, 1-based): chrX:154,464,013, G>T. VCF-style: chrX-154464013-G-T. GRCh37 (hg19) VCF-style: chrX-153692356-G-T.
Other names: short protein forms S537I.
Identifiers: ClinVar variation 4988475 (VCV004988475.1).
Genomic context (GRCh38, chrX:154,464,013, plus strand): 5'-GCTGCCGCGAAGGGGCCTGTCTGGGCGCCTCTGCCCCACACGGCTTTGCTGAGGAGCTGA[G>T]CAAGTGTGTCCAGGTGCGGGTCCGGCCCAACAATGTGTCAGTGACGTCACCTGGGGTGCA-3'
Protein context (NP_059984.3, residues 527-547): SAPHGFAEEL[Ser537Ile]KCVQVRVRPN

ClinVar aggregate classification (germline): Uncertain significance (1 of 4 stars; one submission).

Conditions:
PLXNA3-related disorder. Also called: PLXNA3-related condition.

Submission:

PreventionGenetics, part of Exact Sciences
Classification: Uncertain significance for PLXNA3-related condition. Last evaluated: 2025-04-24. Review status: criteria provided, single submitter. Criteria: ACMG Guidelines, 2015. Collection method: clinical testing. Allele origin: germline.
Comment: The PLXNA3 c.1610G>T variant is predicted to result in the amino acid substitution p.Ser537Ile. To our knowledge, this variant has not been reported in the literature or in a large population database (gnomAD), indicating this variant is rare. At this time, the clinical significance of this variant is uncertain due to the absence of conclusive functional and genetic evidence.